The following is an entry in ClinVar:

ClinVar aggregate classification (germline): Pathogenic. Review status: criteria provided, multiple submitters, no conflicts (2 of 4 stars). 3 submissions from 3 submitters: Pathogenic (3). Last evaluated 2023-01-01.

Conditions:
WDR45-related disorder. Also called: WDR45-related condition.
Neurodegeneration with brain iron accumulation 5 (NBIA5). Also called: STATIC ENCEPHALOPATHY OF CHILDHOOD WITH NEURODEGENERATION IN ADULTHOOD; Beta-propeller protein-associated neurodegeneration. Identifiers: Orphanet 329284, MedGen C3550973, MONDO:0010476, OMIM 300894.

Submissions (3):

CeGaT Center for Human Genetics Tuebingen
Classification: Pathogenic. Last evaluated: 2023-01-01. Review status: criteria provided, single submitter. Criteria: CeGaT Center For Human Genetics Tuebingen Variant Classification Criteria Version 2. Collection method: clinical testing. Allele origin: germline. Affected: yes. Observed: 1 variant allele.
Comment: WDR45: PS2, PM2, PS1:Moderate, PVS1:Moderate

Blueprint Genetics
Classification: Pathogenic for WDR45-related disorders. Last evaluated: 2022-07-07. Review status: criteria provided, single submitter. Criteria: ACMG Guidelines, 2015. Collection method: clinical testing. Allele origin: germline. Affected: yes. Observed: 1 variant allele.

Genetics and Molecular Pathology, SA Pathology
Classification: Pathogenic for Neurodegeneration with brain iron accumulation 5. Last evaluated: 2021-05-18. Review status: criteria provided, single submitter. Criteria: ACMG Guidelines, 2015. Collection method: clinical testing. Allele origin: germline. Inheritance: Autosomal dominant inheritance. Affected: yes.
Comment: The WDR45 c.2T>C variant is a single nucleotide change which is predicted to result in loss of the start codon. The resultant protein is predicted to be comprised of only the final 76 residues out of 362, which is a loss of >10% (PVS_Strong). This variant has not been reported in dbSNP and is absent from population databases (PM2). This variant has not been reported in the ClinVar of HGMD disease databases, although a different change affecting the same nucleotide and resulting in the same start loss effect (c.2T>A) has been reported as pathogenic / likely pathogenic in ClinVar for neurodegeneration with brain iron accumulation 5 (ClinVar variation ID: 620005). The WDR45 c.2T>C variant is classified as PATHOGENIC (PM2, PS2, PVS1_Strong)

NM_001029896.2(WDR45):c.2T>C (p.Met1Thr)

Genes: WDR45 (WD repeat domain 45; minus strand), LOC126863256 (BRD4-independent group 4 enhancer GRCh37_chrX:48934848-48936047; plus strand). Cytogenetic location: Xp11.23.
Variant type: single nucleotide variant.
Coding change: c.2T>C on transcript NM_001029896.2 (MANE Select); coding-DNA position 2, T replaced by C.
Protein change: p.Met1Thr; changes the start codon (methionine 1).
Molecular consequence: missense variant, initiator codon variant.
Genome position (GRCh38, 1-based): chrX:49,078,094, A>G on the plus strand (T>C on the coding strand, the complement: WDR45 is on the minus strand). VCF-style: chrX-49078094-A-G. GRCh37 (hg19) VCF-style: chrX-48935753-A-G.
Other names: c.2T>C, p.Met1Thr (NM_007075.4); short protein forms M1T.
Identifiers: ClinVar variation 1698942 (VCV001698942.32), dbSNP rs1569523565, ClinGen allele CA412949589.
Genomic context (GRCh38, chrX:49,078,094, plus strand): 5'-CTCTCACTTTGGTCTTGGTTGAAACGCAGGCTGGTCACTCCTCGAAGTGGCTGTTGAGTC[A>G]TGGTGCAGGATTGTTCCTCTGCATACAAATGGGATAAAGATGAGAAGAGTCCTGGAATCT-3'
Protein context (NP_001025067.1, residues 1-11): [Met1Thr]TQQPLRGVTS